The following is an entry in ClinVar:

NM_000021.4(PSEN1):c.907C>G (p.Pro303Ala)

Gene: PSEN1 (presenilin 1; plus strand). Cytogenetic location: 14q24.2.
Variant type: single nucleotide variant.
Coding change: c.907C>G on transcript NM_000021.4 (MANE Select); coding-DNA position 907, C replaced by G.
Protein change: p.Pro303Ala; replaces proline 303 with alanine.
Molecular consequence: missense variant.
Genome position (GRCh38, 1-based): chr14:73,206,424, C>G. VCF-style: chr14-73206424-C-G. GRCh37 (hg19) VCF-style: chr14-73673132-C-G.
Other names: c.895C>G, p.Pro299Ala (NM_007318.3); short protein forms P299A, P303A.
Identifiers: ClinVar variation 645304 (VCV000645304.9), dbSNP rs1594750510, ClinGen allele CA390304864.

ClinVar aggregate classification (germline): Uncertain significance (1 of 4 stars; one submission).

Conditions:
Alzheimer disease 3 (AD3). Also called: ALZHEIMER DISEASE, FAMILIAL, 3. Identifiers: Orphanet 1020, MedGen C1843013, MONDO:0011913, OMIM 607822.
Frontotemporal dementia (FTD1). Also called: Dementia, frontotemporal, with or without parkinsonism; Frontotemporal Dementia with Parkinsonism-17 (FTDP-17); WILHELMSEN-LYNCH DISEASE; Frontotemporal lobe dementia (FLDEM); FRONTOTEMPORAL LOBAR DEGENERATION WITH TAU INCLUSIONS; FTLD WITH TAU INCLUSIONS. Identifiers: Orphanet 282, MedGen C0338451, MONDO:0017276, OMIM 600274, HP:0002145.
Pick disease. Also called: Pick's disease; Pick Disease of the Brain; DEMENTIA WITH LOBAR ATROPHY AND NEURONAL CYTOPLASMIC INCLUSIONS; LOBAR ATROPHY OF BRAIN; PICK DISEASE OF BRAIN. Identifiers: Orphanet 282, MedGen C0236642, MONDO:0008243, OMIM 172700.
Acne inversa, familial, 3 (ACNINV3). Identifiers: MedGen C3151038, MONDO:0013398, OMIM 613737.

Allele frequency attached by ClinVar (database versions not stated): gnomAD exomes below 0.00001.
gnomAD v4.1: 1 of 1,613,916 alleles (0.000062%); highest among the groups gnomAD compares: East Asian, 0.0022%; no homozygotes.

Submission:

Labcorp Genetics (formerly Invitae), Labcorp
Classification: Uncertain significance for Alzheimer disease 3; Pick disease; Acne inversa, familial, 3; Frontotemporal dementia. Last evaluated: 2018-07-03. Review status: criteria provided, single submitter. Criteria: Invitae Variant Classification Sherloc (09022015). Collection method: clinical testing. Allele origin: germline.
Comment: This sequence change replaces proline with alanine at codon 303 of the PSEN1 protein (p.Pro303Ala). The proline residue is moderately conserved and there is a small physicochemical difference between proline and alanine. This variant is not present in population databases (ExAC no frequency). In summary, the available evidence is currently insufficient to determine the role of this variant in disease. Therefore, it has been classified as a Variant of Uncertain Significance. Algorithms developed to predict the effect of missense changes on protein structure and function (SIFT, PolyPhen-2, Align-GVGD) all suggest that this variant is likely to be tolerated, but these predictions have not been confirmed by published functional studies and their clinical significance is uncertain. This variant has not been reported in the literature in individuals with PSEN1-related disease.